The following is an entry in ClinVar:

ClinVar aggregate classification (germline): Pathogenic. Review status: criteria provided, multiple submitters, no conflicts (2 of 4 stars). 4 submissions from 4 submitters: Pathogenic (4). Last evaluated 2025-08-07.

Conditions:
Juvenile polyposis syndrome (JPS). Identifiers: Orphanet 2929, MedGen C0345893, MONDO:0017380, OMIM 174900.
Hereditary cancer-predisposing syndrome. Also called: Tumor predisposition; Hereditary Cancer Syndrome; Hereditary neoplastic syndrome; Neoplastic Syndromes, Hereditary. Identifiers: Orphanet 140162, MedGen C0027672, MeSH D009386, MONDO:0015356.

Submissions (4):

Ambry Genetics
Classification: Pathogenic for Hereditary cancer-predisposing syndrome. Last evaluated: 2025-08-07. Review status: criteria provided, single submitter. Criteria: Ambry Variant Classification Scheme 2023. Collection method: clinical testing. Allele origin: germline.
Comment: The p.E88* pathogenic mutation (also known as c.262G>T), located in coding exon 3 of the BMPR1A gene, results from a G to T substitution at nucleotide position 262. This changes the amino acid from a glutamic acid to a stop codon within coding exon 3. The p.E88* pathogenic mutation has been described in one family with JPS in multiple studies (Sayed MG et. al. Ann Surg Oncol. 2002 Nov;9(9):901-6; Howe JR et al. J. Med. Genet. 2004;41 (7) :484-91; Calva-Cerqueira D et al. Clin. Genet. 2009:75 (1) :79-85). This variant is considered to be rare based on population cohorts in the Genome Aggregation Database (gnomAD). This alteration is expected to result in loss of function by premature protein truncation or nonsense-mediated mRNA decay. As such, this alteration is interpreted as a disease-causing mutation.

Labcorp Genetics (formerly Invitae), Labcorp
Classification: Pathogenic for Juvenile polyposis syndrome. Last evaluated: 2024-10-03. Review status: criteria provided, single submitter. Criteria: Invitae Variant Classification Sherloc (09022015). Collection method: clinical testing. Allele origin: germline.
Comment: This sequence change creates a premature translational stop signal (p.Glu88*) in the BMPR1A gene. It is expected to result in an absent or disrupted protein product. Loss-of-function variants in BMPR1A are known to be pathogenic (PMID: 11536076, 12417513). This variant is not present in population databases (gnomAD no frequency). This premature translational stop signal has been observed in individual(s) with juvenile polyposis syndrome (PMID: 12417513). ClinVar contains an entry for this variant (Variation ID: 182065). Studies have shown that this premature translational stop signal is associated with inconclusive levels of altered splicing (internal data). For these reasons, this variant has been classified as Pathogenic.

Myriad Genetics, Inc.
Classification: Pathogenic for Juvenile polyposis syndrome. Last evaluated: 2023-08-01. Review status: criteria provided, single submitter. Criteria: Myriad Autosomal Dominant, Autosomal Recessive and X-Linked Classification Criteria (2023). Collection method: clinical testing. Allele origin: unknown.
Comment: This variant is considered pathogenic. This variant creates a termination codon and is predicted to result in premature protein truncation.

GeneDx
Classification: Pathogenic. Last evaluated: 2014-08-18. Review status: criteria provided, single submitter. Criteria: GeneDx Variant Classification (06012015). Collection method: clinical testing. Allele origin: germline. Affected: yes.
Comment: This pathogenic variant is denoted BMPR1A c.262G>T at the cDNA level and p.Glu88Ter (E88X) at the protein level. The substitution creates a nonsense variant, which changes a Glutamic Acid to a premature stop codon (GAA>TAA), and is predicted to cause loss of normal protein function through either protein truncation or nonsense-mediated mRNA decay. This variant has been reported in at least one family with Juvenile Polyposis (Sayed 2002) and is considered pathogenic.

Literature cited by the submitters: PubMed 15235019 (cited by Ambry Genetics); PubMed 11536076 (cited by Labcorp Genetics (formerly Invitae), Labcorp); PubMed 12417513 (cited by Labcorp Genetics (formerly Invitae), Labcorp).

NM_004329.3(BMPR1A):c.262G>T (p.Glu88Ter)

Gene: BMPR1A (bone morphogenetic protein receptor type 1A; plus strand). Cytogenetic location: 10q23.2.
Variant type: single nucleotide variant.
Coding change: c.262G>T on transcript NM_004329.3 (MANE Select); coding-DNA position 262, G replaced by T.
Protein change: p.Glu88Ter; replaces glutamic acid 88 with a stop codon.
Molecular consequence: nonsense.
Genome position (GRCh38, 1-based): chr10:86,892,158, G>T. VCF-style: chr10-86892158-G-T. GRCh37 (hg19) VCF-style: chr10-88651915-G-T.
Other names: p.E88*:GAA>TAA; short protein forms E88*.
Identifiers: ClinVar variation 182065 (VCV000182065.10), dbSNP rs730881431, ClinGen allele CA298508.
Genomic context (GRCh38, chr10:86,892,158, plus strand): 5'-TTGTTTTGTTTTGTTTTTTTCTGTTTTAGAACTAATGGACATTGCTTTGCCATCATAGAA[G>T]AAGATGACCAGGGAGAAACCACATTAGCTTCAGGGTGTATGAAATATGAAGGATCTGATT-3'